The following is an entry in ClinVar:

ClinVar aggregate classification (germline): Uncertain significance. Review status: criteria provided, multiple submitters, no conflicts (2 of 4 stars). 2 submissions from 2 submitters: Uncertain significance (2). Last evaluated 2022-11-25.

Conditions:
Spermatogenic failure 28. Identifiers: MedGen C4748117, MONDO:0054732, OMIM 618086.
Premature ovarian failure 15. Identifiers: MedGen C4748170, MONDO:0054862, OMIM 618096.
Fanconi anemia (FA). Also called: Fanconi's anemia. Identifiers: Orphanet 84, MedGen C0015625, MeSH D005199, MONDO:0019391.

Allele frequency attached by ClinVar (database versions not stated): gnomAD exomes 0.00001.
gnomAD v4.1: 21 of 1,614,048 alleles (0.0013%); highest among the groups gnomAD compares: Non-Finnish European, 0.0014%; no homozygotes.

Submissions (2):

Labcorp Genetics (formerly Invitae), Labcorp
Classification: Uncertain significance for Fanconi anemia. Last evaluated: 2022-11-25. Review status: criteria provided, single submitter. Criteria: Invitae Variant Classification Sherloc (09022015). Collection method: clinical testing. Allele origin: germline.
Comment: This variant has not been reported in the literature in individuals affected with FANCM-related conditions. This sequence change replaces threonine, which is neutral and polar, with alanine, which is neutral and non-polar, at codon 1805 of the FANCM protein (p.Thr1805Ala). This variant is present in population databases (no rsID available, gnomAD 0.002%). ClinVar contains an entry for this variant (Variation ID: 1435173). Algorithms developed to predict the effect of missense changes on protein structure and function output the following: SIFT: "Tolerated"; PolyPhen-2: "Benign"; Align-GVGD: "Class C0". The alanine amino acid residue is found in multiple mammalian species, which suggests that this missense change does not adversely affect protein function. In summary, the available evidence is currently insufficient to determine the role of this variant in disease. Therefore, it has been classified as a Variant of Uncertain Significance.

Fulgent Genetics
Classification: Uncertain significance for Spermatogenic failure 28; Premature ovarian failure 15. Last evaluated: 2021-11-05. Review status: criteria provided, single submitter. Criteria: ACMG Guidelines, 2015. Collection method: clinical testing. Allele origin: unknown.

NM_020937.4(FANCM):c.5413A>G (p.Thr1805Ala)

Gene: FANCM (FA complementation group M; plus strand). Cytogenetic location: 14q21.2.
Variant type: single nucleotide variant.
Coding change: c.5413A>G on transcript NM_020937.4 (MANE Select); coding-DNA position 5413, A replaced by G.
Protein change: p.Thr1805Ala; replaces threonine 1805 with alanine.
Molecular consequence: missense variant.
Genome position (GRCh38, 1-based): chr14:45,196,244, A>G. VCF-style: chr14-45196244-A-G. GRCh37 (hg19) VCF-style: chr14-45665447-A-G.
Other names: c.5335A>G, p.Thr1779Ala (NM_001308133.2); short protein forms T1805A, T1779A.
Identifiers: ClinVar variation 1435173 (VCV001435173.9), dbSNP rs1195945183, ClinGen allele CA389585745.
Genomic context (GRCh38, chr14:45,196,244, plus strand): 5'-TTGGAGGATTCTAGCACTTCAGGGGCATCCTGTTCCAAGTCAAGACCACATTTAGCTGGG[A>G]CACATACTTCTCTTAGACTTCCGCAGGAAGGAAAAGGAACCTGTATTCTTGTAGGTGGTC-3'
Protein context (NP_065988.1, residues 1795-1815): CSKSRPHLAG[Thr1805Ala]HTSLRLPQEG